The following is an entry in ClinVar:

NM_001127222.2(CACNA1A):c.1914-10_2172+10del

Gene: CACNA1A (calcium voltage-gated channel subunit alpha1 A; minus strand). Cytogenetic location: 19p13.13.
Variant type: Deletion.
Coding change: c.1914-10_2172+10del on transcript NM_001127222.2 (MANE Select); 10 bases into the intron before coding-DNA position 1914 through 10 bases into the intron after coding-DNA position 2172, 4,329 bases deleted.
Molecular consequence: splice acceptor variant, splice donor variant.
Genome position (GRCh38, 1-based): chr19:13,303,536-13,307,864, 4,329 bases deleted. GRCh37 (hg19): chr19:13,414,350-13,418,678.
Other names: c.1917-10_2175+10del (NM_001127221.2, NM_001174080.2); c.1917-10_2184+1del (NM_000068.4, NM_023035.3).
Identifiers: ClinVar variation 956660 (VCV000956660.1), ClinGen allele CA1139666331.

ClinVar aggregate classification (germline): Pathogenic (1 of 4 stars; one submission).

Conditions:
Developmental and epileptic encephalopathy, 42 (DEE42A). Also called: DEVELOPMENTAL AND EPILEPTIC ENCEPHALOPATHY 42A; EPILEPTIC ENCEPHALOPATHY, EARLY INFANTILE, 42A; Epileptic encephalopathy, early infantile, 42. Identifiers: MedGen C4310716, MONDO:0014917, OMIM 617106.
Episodic ataxia type 2 (EA2). Also called: ATAXIA, EPISODIC, WITH NYSTAGMUS; ATAXIA, FAMILIAL PAROXYSMAL; CEREBELLAR ATAXIA, PAROXYSMAL, ACETAZOLAMIDE-RESPONSIVE; ACETAZOLAMIDE-RESPONSIVE HEREDITARY PAROXYSMAL CEREBELLAR ATAXIA; CEREBELLOPATHY, HEREDITARY PAROXYSMAL; EPISODIC ATAXIA, NYSTAGMUS-ASSOCIATED. Identifiers: Orphanet 97, MedGen C1720416, MONDO:0007163, OMIM 108500.

Submission:

Labcorp Genetics (formerly Invitae), Labcorp
Classification: Pathogenic for Epileptic encephalopathy, early infantile, 42; Episodic ataxia type 2. Last evaluated: 2019-09-16. Review status: criteria provided, single submitter. Criteria: Invitae Variant Classification Sherloc (09022015). Collection method: clinical testing. Allele origin: germline.
Comment: This variant is an out-of-frame deletion of the genomic region encompassing exons 15-17 of the CACNA1A gene. This is expected to create a premature translational stop signal and result in an absent or disrupted protein product. This variant has not been reported in the literature in individuals with CACNA1A-related conditions. Loss-of-function variants in CACNA1A are known to be pathogenic (PMID: 10371528, 19486177, 25735478, 27250579). For these reasons, this variant has been classified as Pathogenic.